The following is an entry in ClinVar:

NM_000514.4(GDNF):c.169T>C (p.Tyr57His)

Gene: GDNF (glial cell derived neurotrophic factor; minus strand). Cytogenetic location: 5p13.2.
Variant type: single nucleotide variant.
Coding change: c.169T>C on transcript NM_000514.4 (MANE Select); coding-DNA position 169, T replaced by C.
Protein change: p.Tyr57His; replaces tyrosine 57 with histidine.
Molecular consequence: missense variant.
Genome position (GRCh38, 1-based): chr5:37,816,118, A>G on the plus strand (T>C on the coding strand, the complement: GDNF is on the minus strand). VCF-style: chr5-37816118-A-G. GRCh37 (hg19) VCF-style: chr5-37816220-A-G.
Other names: c.220T>C, p.Tyr74His (NM_001190468.1); c.142T>C, p.Tyr48His (NM_001190469.1); c.13T>C, p.Tyr5His (NM_001278098.1); c.91T>C, p.Tyr31His (NM_199231.2); short protein forms Y31H, Y48H, Y57H, Y5H, Y74H.
Identifiers: ClinVar variation 1316011 (VCV001316011.2), dbSNP rs1749921155, ClinGen allele CA359614677.

ClinVar aggregate classification (germline): Uncertain significance (1 of 4 stars; one submission).

Allele frequency attached by ClinVar (database versions not stated): gnomAD exomes below 0.00001; TOPMed 0.00001.
gnomAD v4.1: 5 of 1,613,632 alleles (0.00031%); highest among the groups gnomAD compares: Non-Finnish European, 0.00042%; no homozygotes.

Submission:

GeneDx
Classification: Uncertain significance. Last evaluated: 2019-10-01. Review status: criteria provided, single submitter. Criteria: GeneDx Variant Classification Process June 2021. Collection method: clinical testing. Allele origin: germline. Affected: yes.
Comment: Not observed in large population cohorts (Lek et al., 2016); In silico analysis, which includes protein predictors and evolutionary conservation, supports a deleterious effect; Has not been previously published as pathogenic or benign to our knowledge